The following is an entry in ClinVar:

NM_001046.3(SLC12A2):c.2798G>A (p.Gly933Glu)

Gene: SLC12A2 (solute carrier family 12 member 2; plus strand). Cytogenetic location: 5q23.3.
Variant type: single nucleotide variant.
Coding change: c.2798G>A on transcript NM_001046.3 (MANE Select); coding-DNA position 2798, G replaced by A.
Protein change: p.Gly933Glu; replaces glycine 933 with glutamic acid.
Molecular consequence: missense variant. On other transcripts: non-coding transcript variant (1).
Genome position (GRCh38, 1-based): chr5:128,171,741, G>A. VCF-style: chr5-128171741-G-A. GRCh37 (hg19) VCF-style: chr5-127507433-G-A.
Other names: c.2798G>A, p.Gly933Glu (NM_001256461.2); short protein forms G933E.
Identifiers: ClinVar variation 3378178 (VCV003378178.1).

ClinVar aggregate classification (germline): Uncertain significance (1 of 4 stars; one submission).

gnomAD v4.1: 2 of 1,563,294 alleles (0.00013%); highest among the groups gnomAD compares: Non-Finnish European, 0.00017%; no homozygotes.

Submission:

GeneDx
Classification: Uncertain significance. Last evaluated: 2024-05-09. Review status: criteria provided, single submitter. Criteria: GeneDx Variant Classification Process June 2021. Collection method: clinical testing. Allele origin: germline. Affected: yes.
Comment: Not observed at significant frequency in large population cohorts (gnomAD); In silico analysis indicates that this missense variant does not alter protein structure/function; Has not been previously published as pathogenic or benign to our knowledge